The following is an entry in ClinVar:

NM_006231.4(POLE):c.2234C>T (p.Thr745Ile)

Gene: POLE (DNA polymerase epsilon, catalytic subunit; minus strand). Cytogenetic location: 12q24.33.
Variant type: single nucleotide variant.
Coding change: c.2234C>T on transcript NM_006231.4 (MANE Select); coding-DNA position 2234, C replaced by T.
Protein change: p.Thr745Ile; replaces threonine 745 with isoleucine.
Molecular consequence: missense variant.
Genome position (GRCh38, 1-based): chr12:132,667,588, G>A on the plus strand (C>T on the coding strand, the complement: POLE is on the minus strand). VCF-style: chr12-132667588-G-A. GRCh37 (hg19) VCF-style: chr12-133244174-G-A.
Other names: short protein forms T745I.
Identifiers: ClinVar variation 3422225 (VCV003422225.1).

ClinVar aggregate classification (germline): Uncertain significance (1 of 4 stars; one submission).

Conditions:
Hereditary cancer-predisposing syndrome. Also called: Neoplastic Syndromes, Hereditary; Tumor predisposition; Hereditary Cancer Syndrome; Hereditary neoplastic syndrome. Identifiers: Orphanet 140162, MedGen C0027672, MeSH D009386, MONDO:0015356.

Submission:

Ambry Genetics
Classification: Uncertain significance for Hereditary cancer-predisposing syndrome. Last evaluated: 2024-11-18. Review status: criteria provided, single submitter. Criteria: Ambry Variant Classification Scheme 2023. Collection method: clinical testing. Allele origin: germline.
Comment: The p.T745I variant (also known as c.2234C>T), located in coding exon 20 of the POLE gene, results from a C to T substitution at nucleotide position 2234. The threonine at codon 745 is replaced by isoleucine, an amino acid with similar properties. This amino acid position is conserved. In addition, the in silico prediction for this alteration is inconclusive. Based on the available evidence, the clinical significance of this variant remains unclear.